The following is an entry in ClinVar:

NM_000439.5(PCSK1):c.2242A>G (p.Ile748Val)

Genes: CAST (calpastatin; plus strand), PCSK1 (proprotein convertase subtilisin/kexin type 1; minus strand), LOC101929710 (uncharacterized LOC101929710; plus strand). Cytogenetic location: 5q15.
Variant type: single nucleotide variant.
Coding change: c.2242A>G on transcript NM_000439.5 (MANE Select); coding-DNA position 2242, A replaced by G.
Protein change: p.Ile748Val; replaces isoleucine 748 with valine.
Molecular consequence: missense variant. On other transcripts: intron variant (11).
Genome position (GRCh38, 1-based): chr5:96,393,021, T>C on the plus strand (A>G on the coding strand, the complement: PCSK1 is on the minus strand). VCF-style: chr5-96393021-T-C. GRCh37 (hg19) VCF-style: chr5-95728725-T-C.
Other names: c.2101A>G, p.Ile701Val (NM_001177875.2); c.-175+13369T>C (NM_001423254.1, NM_001423259.1, NM_001423255.1 and 6 more transcripts); c.-103+13369T>C (NM_001423253.1); c.-40+13369T>C (NM_001423258.1); short protein forms I701V, I748V.
Identifiers: ClinVar variation 4994745 (VCV004994745.1).

ClinVar aggregate classification (germline): Uncertain significance (1 of 4 stars; one submission).

Conditions:
PCSK1-related disorder. Also called: PCSK1-related condition.

Submission:

PreventionGenetics, part of Exact Sciences
Classification: Uncertain significance for PCSK1-related condition. Last evaluated: 2025-08-22. Review status: criteria provided, single submitter. Criteria: ACMG Guidelines, 2015. Collection method: clinical testing. Allele origin: germline.
Comment: The PCSK1 c.2242A>G variant is predicted to result in the amino acid substitution p.Ile748Val. To our knowledge, this variant has not been reported in the literature or in a large population database (gnomAD), indicating this variant is rare. At this time, the clinical significance of this variant is uncertain due to the absence of conclusive functional and genetic evidence.